The following is an entry in ClinVar:

ClinVar aggregate classification (germline): Uncertain significance (1 of 4 stars; one submission).

Submission:

GeneDx
Classification: Uncertain significance. Last evaluated: 2026-03-02. Review status: criteria provided, single submitter. Criteria: GeneDx Variant Classification Process June 2021. Collection method: clinical testing. Allele origin: germline.
Comment: Not observed at significant frequency in large population cohorts (gnomAD); In silico analysis suggests that this missense variant does not alter protein structure/function; Has not been previously published as pathogenic or benign to our knowledge

NM_004979.6(KCND1):c.430G>T (p.Ala144Ser)

Gene: KCND1 (potassium voltage-gated channel subfamily D member 1; minus strand). Cytogenetic location: Xp11.23.
Variant type: single nucleotide variant.
Coding change: c.430G>T on transcript NM_004979.6 (MANE Select); coding-DNA position 430, G replaced by T.
Protein change: p.Ala144Ser; replaces alanine 144 with serine.
Molecular consequence: missense variant.
Genome position (GRCh38, 1-based): chrX:48,969,842, C>A on the plus strand (G>T on the coding strand, the complement: KCND1 is on the minus strand). VCF-style: chrX-48969842-C-A. GRCh37 (hg19) VCF-style: chrX-48826249-C-A.
Other names: short protein forms A144S.
Identifiers: ClinVar variation 5008202 (VCV005008202.1).
Genomic context (GRCh38, chrX:48,969,842, plus strand): 5'-CTGGCAGGGCTGGGCCGTCCCCGGCCTGCTCTGCCTCCTCATCCTCTGCCAGGCGCTCGG[C>A]ATTCTCCTTCTTTCGGTCCCGATACTCTTCAAGGCAGCAGTCACCGACTAGCTCGGGAAC-3'
Protein context (NP_004970.3, residues 134-154): EEYRDRKKEN[Ala144Ser]ERLAEDEEAE